The following is an entry in ClinVar:

NM_001457.4(FLNB):c.850G>A (p.Ala284Thr)

Gene: FLNB (filamin B; plus strand). Cytogenetic location: 3p14.3.
Variant type: single nucleotide variant.
Coding change: c.850G>A on transcript NM_001457.4 (MANE Select); coding-DNA position 850, G replaced by A.
Protein change: p.Ala284Thr; replaces alanine 284 with threonine.
Molecular consequence: missense variant.
Genome position (GRCh38, 1-based): chr3:58,094,898, G>A. VCF-style: chr3-58094898-G-A. GRCh37 (hg19) VCF-style: chr3-58080625-G-A.
Other names: c.850G>A, p.Ala284Thr (NM_001164317.2, NM_001164318.2, NM_001164319.2); short protein forms A284T.
Identifiers: ClinVar variation 4025586 (VCV004025586.3).
Genomic context (GRCh38, chr3:58,094,898, plus strand): 5'-ATCGAGCCCACTGGAAACATGGTGAAGCAGCCAGCCAAGTTCACTGTGGACACCATCAGC[G>A]CCGGGCAAGGAGACGTGATGGTGTTTGTTGAGGACCCAGAAGGGAACAAAGAGGAGGTAT-3'
Protein context (NP_001448.2, residues 274-294): PAKFTVDTIS[Ala284Thr]GQGDVMVFVE

ClinVar aggregate classification (germline): Uncertain significance. Review status: criteria provided, multiple submitters, no conflicts (2 of 4 stars). 2 submissions from 2 submitters: Uncertain significance (2). Last evaluated 2025-06-04.

Conditions:
Inborn genetic diseases. Identifiers: MedGen C0950123, MeSH D030342.
Boomerang dysplasia. Identifiers: Orphanet 1263, MedGen C0432201, MONDO:0007208, OMIM 112310.
Atelosteogenesis type I. Also called: GIANT CELL CHONDRODYSPLASIA; SPONDYLOHUMEROFEMORAL HYPOPLASIA; Atelosteogenesis Type 1 (FLNB-AO1). Identifiers: Orphanet 1190, MedGen C0265283, MONDO:0007167, OMIM 108720.
Larsen syndrome (LRS). Also called: Bilateral dislocation of the knees, pes cavus, cylindrically shaped fingers and characteristic facies; Larsen syndrome (FLNB-LS). Identifiers: Orphanet 503, MedGen C0175778, MONDO:0007875, OMIM 150250. Disease mechanism: loss of function.
Spondylocarpotarsal synostosis syndrome (SCT). Also called: SPONDYLOCARPOTARSAL SYNDROME; VERTEBRAL FUSION WITH CARPAL COALITION; Synspondylism congenital; Scoliosis, congenital with unilateral unsegmented bar; Spondylocarpotarsal Synostosis Syndrome (FLNB-SCT). Identifiers: Orphanet 3275, MedGen C1848934, MONDO:0010094, OMIM 272460.
Atelosteogenesis type III. Also called: Atelosteogenesis Type 3 (FLNB-AO3). Identifiers: Orphanet 56305, MedGen C3668942, MONDO:0007168, OMIM 108721.

gnomAD v4.1: 9 of 1,614,166 alleles (0.00056%); highest among the groups gnomAD compares: South Asian, 0.0011%; no homozygotes.

Submissions (2):

Ambry Genetics
Classification: Uncertain significance for Inborn genetic diseases. Last evaluated: 2025-06-04. Review status: criteria provided, single submitter. Criteria: Ambry Variant Classification Scheme 2023. Collection method: clinical testing. Allele origin: germline.

Juno Genomics, Hangzhou Juno Genomics, Inc
Classification: Uncertain significance for Spondylocarpotarsal synostosis syndrome; Atelosteogenesis type I; Atelosteogenesis type III; Boomerang dysplasia; Larsen syndrome. Review status: criteria provided, single submitter. Criteria: ACMG Guidelines, 2015. Collection method: clinical testing. Allele origin: germline.
Comment: Absent from controls (or at extremely low frequency if recessive) in Genome Aggregation Database.;Missense variant in a gene that has a low rate of benign missense variation.;Multiple lines of computational evidence support a deleterious effect on the gene or gene product.